The following is an entry in ClinVar:

NM_012431.3(SEMA3E):c.154C>A (p.Pro52Thr)

Gene: SEMA3E (semaphorin 3E; minus strand). Cytogenetic location: 7q21.11.
Variant type: single nucleotide variant.
Coding change: c.154C>A on transcript NM_012431.3 (MANE Select); coding-DNA position 154, C replaced by A.
Protein change: p.Pro52Thr; replaces proline 52 with threonine.
Molecular consequence: missense variant. On other transcripts: 5 prime UTR variant (1).
Genome position (GRCh38, 1-based): chr7:83,490,236, G>T on the plus strand (C>A on the coding strand, the complement: SEMA3E is on the minus strand). VCF-style: chr7-83490236-G-T. GRCh37 (hg19) VCF-style: chr7-83119552-G-T.
Other names: c.-27C>A (NM_001178129.2); short protein forms P52T.
Identifiers: ClinVar variation 949771 (VCV000949771.9), dbSNP rs1033262030, ClinGen allele CA161186122.
Genomic context (GRCh38, chr7:83,490,236, plus strand): 5'-CGAAGAGCCTCTCTTGATATTCATCCAGCAGCATTGTATGGAGATCAAGAAATCCAAAAG[G>T]GCTATGAAATATTGATGTTCTGTTCAGATTCAAGAGCTCTGAAATGCAAAGTGATACATA-3'
Protein context (NP_036563.1, residues 42-62): NLNRTSIFHS[Pro52Thr]FGFLDLHTML

ClinVar aggregate classification (germline): Uncertain significance (1 of 4 stars; one submission).

Conditions:
CHARGE syndrome (CHARGE). Also called: Hittner Hirsch Kreh syndrome; Coloboma, heart anomaly, choanal atresia, retardation, genital and ear anomalies; CHARGE association; Hall-Hittner syndrome; CHARGE ASSOCIATION--COLOBOMA, HEART ANOMALY, CHOANAL ATRESIA, RETARDATION, GENITAL AND EAR ANOMALIES. Identifiers: Orphanet 138, MedGen C0265354, MONDO:0008965.

Allele frequency attached by ClinVar (database versions not stated): gnomAD exomes below 0.00001; gnomAD 0.00001; TOPMed 0.00001.
gnomAD v4.1: 8 of 1,612,540 alleles (0.0005%); highest among the groups gnomAD compares: Non-Finnish European, 0.00068%; no homozygotes.

Submission:

Labcorp Genetics (formerly Invitae), Labcorp
Classification: Uncertain significance for CHARGE syndrome. Last evaluated: 2023-11-27. Review status: criteria provided, single submitter. Criteria: Invitae Variant Classification Sherloc (09022015). Collection method: clinical testing. Allele origin: germline.
Comment: This sequence change replaces proline, which is neutral and non-polar, with threonine, which is neutral and polar, at codon 52 of the SEMA3E protein (p.Pro52Thr). This variant is present in population databases (no rsID available, gnomAD 0.0009%). This variant has not been reported in the literature in individuals affected with SEMA3E-related conditions. ClinVar contains an entry for this variant (Variation ID: 949771). An algorithm developed to predict the effect of missense changes on protein structure and function (PolyPhen-2) suggests that this variant is likely to be tolerated. In summary, the available evidence is currently insufficient to determine the role of this variant in disease. Therefore, it has been classified as a Variant of Uncertain Significance.